The following is an entry in ClinVar:

NM_002185.5(IL7R):c.*1661G>A

Gene: IL7R (interleukin 7 receptor; plus strand). Cytogenetic location: 5p13.2.
Variant type: single nucleotide variant.
Coding change: c.*1661G>A on transcript NM_002185.5 (MANE Select); 1661 bases downstream of the stop codon, G replaced by A.
Molecular consequence: 3 prime UTR variant. On other transcripts: non-coding transcript variant (1).
Genome position (GRCh38, 1-based): chr5:35,878,147, G>A. VCF-style: chr5-35878147-G-A. GRCh37 (hg19) VCF-style: chr5-35878249-G-A.
Identifiers: ClinVar variation 353297 (VCV000353297.6), dbSNP rs7716064, ClinGen allele CA10620300.

ClinVar aggregate classification (germline): Benign. Review status: criteria provided, multiple submitters, no conflicts (2 of 4 stars). 2 submissions from 2 submitters: Benign (2). Last evaluated 2018-01-13.

Conditions:
Immunodeficiency 104. Also called: SCID, AUTOSOMAL RECESSIVE, T CELL-NEGATIVE, B CELL-POSITIVE, NK CELL-POSITIVE; Severe Combined Immune Deficiency, Autosomal Recessive, TCell -Negative, B Cell-Positive, NK Cell-Positive, IL7R-Related; Severe combined immunodeficiency, autosomal recessive, T cell-negative, B cell-positive, NK cell-positive; IMMUNODEFICIENCY 104, SEVERE COMBINED. Identifiers: MedGen C5676890, MONDO:0012163, OMIM 608971.

Allele frequency attached by ClinVar (database versions not stated): gnomAD exomes 0.64605; 1000 Genomes Project 0.66953; 1000 Genomes Project 30x 0.67598; TOPMed 0.71354; gnomAD 0.72649.

Submissions (2):

Illumina Laboratory Services, Illumina
Classification: Benign for Immunodeficiency 104. Last evaluated: 2018-01-13. Review status: criteria provided, single submitter. Criteria: ICSL Variant Classification Criteria 13 December 2019. Collection method: clinical testing. Allele origin: germline.
Comment: This variant was observed in the ICSL laboratory as part of a predisposition screen in an ostensibly healthy population. It had not been previously curated by ICSL or reported in the Human Gene Mutation Database (HGMD: prior to June 1st, 2018), and was therefore a candidate for classification through an automated scoring system. Utilizing variant allele frequency, disease prevalence and penetrance estimates, and inheritance mode, an automated score was calculated to assess if this variant is too frequent to cause the disease. Based on the score and internal cut-off values, a variant classified as benign is not then subjected to further curation. The score for this variant resulted in a classification of benign for this disease.

Breakthrough Genomics
Classification: Benign. Review status: criteria provided, single submitter. Criteria: ACMG Guidelines, 2015. Collection method: not provided. Allele origin: germline. Inheritance: Autosomal recessive inheritance. Affected: yes.